The following is an entry in ClinVar:

ClinVar aggregate classification (germline): Pathogenic (1 of 4 stars; one submission).

Submission:

ISCA site 4
Classification: Pathogenic. Last evaluated: 2011-08-12. Review status: criteria provided, single submitter. Criteria: Kaminsky et al. (Genet Med. 2011). Collection method: clinical testing. Allele origin: unknown. Affected: yes. Observed: 1 variant allele.
Comment: Copy number variation identified through the course of routine clinical cytogenomic testing in postnatal populations. Clinical assertions have been curated as described in Kaminsky et al. 2011.

GRCh38/hg38 4p16.3-15.1(chr4:72555-33130620)x3

Genes: LRPAP1 (LDL receptor related protein associated protein 1; minus strand), LYAR (Ly1 antibody reactive; minus strand), MAEA (macrophage erythroblast attacher, E3 ubiquitin ligase; plus strand), MAN2B2 (mannosidase alpha class 2B member 2; plus strand), MED28 (mediator complex subunit 28; plus strand) and 876 more. Cytogenetic location: 4p16.3-15.1.
Variant type: copy number gain.
Change: copy number 3 (three copies instead of two) of chr4:72,555-33,130,620 (33.06 Mb, GRCh38 coordinates, 1-based), cytogenetic band 4p16.3-15.1.
Identifiers: ClinVar variation 58011 (VCV000058011.2).